The following is an entry in ClinVar:

NM_001844.5(COL2A1):c.2095-5C>T

Gene: COL2A1 (collagen type II alpha 1 chain; minus strand). Cytogenetic location: 12q13.11.
Variant type: single nucleotide variant.
Coding change: c.2095-5C>T on transcript NM_001844.5 (MANE Select); 5 bases into the intron before coding-DNA position 2095, C replaced by T.
Molecular consequence: intron variant.
Genome position (GRCh38, 1-based): chr12:47,982,951, G>A on the plus strand (C>T on the coding strand, the complement: COL2A1 is on the minus strand). VCF-style: chr12-47982951-G-A. GRCh37 (hg19) VCF-style: chr12-48376734-G-A.
Other names: c.1888-5C>T (NM_033150.3).
Identifiers: ClinVar variation 750937 (VCV000750937.12), dbSNP rs775744875, ClinGen allele CA6535220.

ClinVar aggregate classification (germline): Likely benign. Review status: criteria provided, multiple submitters, no conflicts (2 of 4 stars). 3 submissions from 3 submitters: Likely benign (3). Last evaluated 2025-08-20.

Conditions:
COL2A1-related disorder. Also called: COL2A1-related condition; COL2A1-related disorders.

Allele frequency attached by ClinVar (database versions not stated): gnomAD exomes 0.00001 and 0.00005; gnomAD 0.00002; TOPMed 0.00003; ExAC 0.00004.

Submissions (3):

Labcorp Genetics (formerly Invitae), Labcorp
Classification: Likely benign. Last evaluated: 2025-08-20. Review status: criteria provided, single submitter. Criteria: Invitae Variant Classification Sherloc (09022015). Collection method: clinical testing. Allele origin: germline.

PreventionGenetics, part of Exact Sciences
Classification: Likely benign for COL2A1-related condition. Last evaluated: 2025-01-03. Review status: criteria provided, single submitter. Criteria: ACMG Guidelines, 2015. Collection method: clinical testing. Allele origin: germline.
Comment: This variant is classified as likely benign based on ACMG/AMP sequence variant interpretation guidelines (Richards et al. 2015 PMID: 25741868, with internal and published modifications).

Blueprint Genetics
Classification: Likely benign. Last evaluated: 2022-06-27. Review status: criteria provided, single submitter. Criteria: ACMG Guidelines, 2015. Collection method: clinical testing. Allele origin: germline.